The following is an entry in ClinVar:

ClinVar aggregate classification (germline): Uncertain significance. Review status: criteria provided, multiple submitters, no conflicts (2 of 4 stars). 3 submissions from 3 submitters: Uncertain significance (3). Last evaluated 2025-10-11.

Conditions:
Inborn genetic diseases. Identifiers: MedGen C0950123, MeSH D030342.
Perlman syndrome (PRLMNS). Identifiers: Orphanet 2849, MedGen C0796113, MONDO:0009965, OMIM 267000.

Allele frequency attached by ClinVar (database versions not stated): ExAC 0.00001; TOPMed 0.00002; 1000 Genomes Project 30x 0.00031; gnomAD exomes 0.00001 and 0.00003; gnomAD 0.00002 and 0.00001.
gnomAD v4.1: 43 of 1,614,130 alleles (0.0027%); highest among the groups gnomAD compares: Non-Finnish European, 0.0035%; no homozygotes.

Submissions (3):

Dasa
Classification: Uncertain significance. Last evaluated: 2025-10-11. Review status: criteria provided, single submitter. Criteria: DASA Assertion Criteria. Collection method: clinical testing. Allele origin: germline.
Comment: NM_152383.5(DIS3L2):c.520G>A (p.Asp174Asn) is a missense variant that results in the substitution of aspartic acid with asparagine. This variant is rare in population databases. Computational prediction algorithms are consistent with a benign effect. The currently available literature and clinical evidence are not sufficient to establish a definitive association between this variant and the reported condition. Therefore, this variant is classified as a variant of uncertain significance.

Labcorp Genetics (formerly Invitae), Labcorp
Classification: Uncertain significance for Perlman syndrome. Last evaluated: 2025-05-27. Review status: criteria provided, single submitter. Criteria: Invitae Variant Classification Sherloc (09022015). Collection method: clinical testing. Allele origin: germline.
Comment: This sequence change replaces aspartic acid, which is acidic and polar, with asparagine, which is neutral and polar, at codon 174 of the DIS3L2 protein (p.Asp174Asn). This variant is present in population databases (rs752325182, gnomAD 0.003%). This variant has not been reported in the literature in individuals affected with DIS3L2-related conditions. ClinVar contains an entry for this variant (Variation ID: 655059). An algorithm developed to predict the effect of missense changes on protein structure and function (PolyPhen-2) suggests that this variant is likely to be tolerated. In summary, the available evidence is currently insufficient to determine the role of this variant in disease. Therefore, it has been classified as a Variant of Uncertain Significance.

Ambry Genetics
Classification: Uncertain significance for Inborn genetic diseases. Last evaluated: 2022-08-22. Review status: criteria provided, single submitter. Criteria: Ambry Variant Classification Scheme 2023. Collection method: clinical testing. Allele origin: germline.

NM_152383.5(DIS3L2):c.520G>A (p.Asp174Asn)

Gene: DIS3L2 (DIS3 like 3'-5' exoribonuclease 2; plus strand). Cytogenetic location: 2q37.1.
Variant type: single nucleotide variant.
Coding change: c.520G>A on transcript NM_152383.5 (MANE Select); coding-DNA position 520, G replaced by A.
Protein change: p.Asp174Asn; replaces aspartic acid 174 with asparagine.
Molecular consequence: missense variant. On other transcripts: non-coding transcript variant (2).
Genome position (GRCh38, 1-based): chr2:232,087,640, G>A. VCF-style: chr2-232087640-G-A. GRCh37 (hg19) VCF-style: chr2-232952350-G-A.
Other names: c.520G>A, p.Asp174Asn (NM_001257281.2, NM_001257282.2); short protein forms D174N.
Identifiers: ClinVar variation 655059 (VCV000655059.14), dbSNP rs752325182, ClinGen allele CA2163839.